The following is an entry in ClinVar:

ClinVar aggregate classification (germline): Uncertain significance (1 of 4 stars; one submission).

Conditions:
Tuberous sclerosis 2 (TSC2). Identifiers: Orphanet 805, MedGen C1860707, MONDO:0013199, OMIM 613254.

Submission:

Labcorp Genetics (formerly Invitae), Labcorp
Classification: Uncertain significance for Tuberous sclerosis 2. Last evaluated: 2021-05-18. Review status: criteria provided, single submitter. Criteria: Invitae Variant Classification Sherloc (09022015). Collection method: clinical testing. Allele origin: germline.
Comment: In summary, the available evidence is currently insufficient to determine the role of this variant in disease. Therefore, it has been classified as a Variant of Uncertain Significance. Advanced modeling of protein sequence and biophysical properties (such as structural, functional, and spatial information, amino acid conservation, physicochemical variation, residue mobility, and thermodynamic stability) performed at Invitae indicates that this missense variant is expected to disrupt TSC2 protein function. This variant has not been reported in the literature in individuals with TSC2-related conditions. This variant is not present in population databases (ExAC no frequency). This sequence change replaces proline with serine at codon 1626 of the TSC2 protein (p.Pro1626Ser). The proline residue is highly conserved and there is a moderate physicochemical difference between proline and serine.

NM_000548.5(TSC2):c.4876C>T (p.Pro1626Ser)

Gene: TSC2 (TSC complex subunit 2; plus strand). Cytogenetic location: 16p13.3.
Variant type: single nucleotide variant.
Coding change: c.4876C>T on transcript NM_000548.5 (MANE Select); coding-DNA position 4876, C replaced by T.
Protein change: p.Pro1626Ser; replaces proline 1626 with serine.
Molecular consequence: missense variant.
Genome position (GRCh38, 1-based): chr16:2,086,758, C>T. VCF-style: chr16-2086758-C-T. GRCh37 (hg19) VCF-style: chr16-2136759-C-T.
Other names: c.4675C>T, p.Pro1559Ser (NM_001077183.3); c.4807C>T, p.Pro1603Ser (NM_001114382.3); c.4567C>T, p.Pro1523Ser (NM_001318827.2); c.4531C>T, p.Pro1511Ser (NM_001318829.2); c.4144C>T, p.Pro1382Ser (NM_001318831.2); c.4708C>T, p.Pro1570Ser (NM_001318832.2); c.4678C>T, p.Pro1560Ser (NM_001363528.2); c.4744C>T, p.Pro1582Ser (NM_001370404.1); and 1 more; short protein forms P1570S, P1603S, P1559S, P1582S, P1626S, P1382S, P1511S, P1560S.
Identifiers: ClinVar variation 1354766 (VCV001354766.8), dbSNP rs2090852831, ClinGen allele CA394308318.